The following is an entry in ClinVar:

NM_000180.4(GUCY2D):c.-127_1566+2del

Gene: GUCY2D (guanylate cyclase 2D, retinal; plus strand). Cytogenetic location: 17p13.1.
Variant type: Deletion.
Coding change: c.-127_1566+2del on transcript NM_000180.4 (MANE Select); 127 bases upstream of the start codon through the canonical splice donor site of the intron after coding-DNA position 1566, 4,914 bases deleted.
Molecular consequence: splice acceptor variant, splice donor variant, initiator codon variant.
Genome position (GRCh38, 1-based): chr17:8,002,617-8,007,530, 4,914 bases deleted. GRCh37 (hg19): chr17:7,905,935-7,910,848.
Other names: NM_000180.4:c.-127_1566+2del.
Identifiers: ClinVar variation 4538535 (VCV004538535.1).

ClinVar aggregate classification (germline): Pathogenic (3 of 4 stars; one submission).

Conditions:
GUCY2D-related recessive retinopathy. Also called: Recessive GUCY2D retinopathy. Identifiers: MedGen CN305603, MONDO:0100453.

Submission:

ClinGen Leber Congenital Amaurosis/early Onset Retinal Dystrophy Variant Curation Expert Panel, ClinGen
Classification: Pathogenic for GUCY2D-related recessive retinopathy. Last evaluated: 2025-12-19. Review status: reviewed by expert panel. Criteria: ClinGen LCAeoRD ACMG Specifications GUCY2D V1.0.0. Collection method: curation. Allele origin: germline. Inheritance: Autosomal recessive inheritance.
Comment: NC_000017.11:g.8002617_8007530del is a multi-exon deletion variant that disrupts the first 6 exons out of 20 total exons in GUCY2D and is predicted to disrupt the initiation of transcription of a gene in which loss-of-function is an established mechanism of disease (PVS1). This variant is absent from gnomAD v4.1.0 (PM2_Supporting). This variant has been reported in at least 1 proband with early-onset severe retinal dystrophy who harbored the variant in the compound heterozygous state with the NM_000180.4(GUCY2D):c.997G>A (p.Glu333Lys) variant confirmed in trans (VCEP member-provided data). However, the proband was not counted for PM3 in order to avoid circularity. The proband harboring this variant underwent comprehensive genotyping that did not identify an alternative basis for retinal disease, and had a diagnosis and clinical phenotypes that together were highly specific for GUCY2D-related recessive retinopathy (total 8.5 points, VCEP member-provided data, PP4_Moderate). In summary, this variant meets the criteria to be classified as Pathogenic for GUCY2D-related recessive retinopathy based on the ACMG/AMP criteria applied, as specified by the ClinGen LCA/eoRD VCEP: PVS1, PM2_Supporting, and PP4_Moderate. (VCEP specifications version 1.0.0; date of approval 01/22/2025).